The following is an entry in ClinVar:

ClinVar aggregate classification (germline): Uncertain significance. Review status: criteria provided, multiple submitters, no conflicts (2 of 4 stars). 2 submissions from 2 submitters: Uncertain significance (2). Last evaluated 2025-03-05.

Allele frequency attached by ClinVar (database versions not stated): gnomAD exomes 0.00001; ExAC 0.00002; gnomAD 0.00003; TOPMed 0.00006; 1000 Genomes Project 30x 0.00016; 1000 Genomes Project 0.00020.

Submissions (2):

GeneDx
Classification: Uncertain significance. Last evaluated: 2025-03-05. Review status: criteria provided, single submitter. Criteria: GeneDx Variant Classification Process June 2021. Collection method: clinical testing. Allele origin: germline. Affected: yes.
Comment: In silico analysis indicates that this missense variant does not alter protein structure/function; Has not been previously published as pathogenic or benign to our knowledge

Ambry Genetics
Classification: Uncertain significance. Last evaluated: 2024-12-09. Review status: criteria provided, single submitter. Criteria: Ambry Variant Classification Scheme 2023. Collection method: clinical testing. Allele origin: germline.

NM_004568.6(SERPINB6):c.860G>A (p.Arg287His)

Gene: SERPINB6 (serpin family B member 6; minus strand). Cytogenetic location: 6p25.2.
Variant type: single nucleotide variant.
Coding change: c.860G>A on transcript NM_004568.6 (MANE Select); coding-DNA position 860, G replaced by A.
Protein change: p.Arg287His; replaces arginine 287 with histidine.
Molecular consequence: missense variant. On other transcripts: non-coding transcript variant (1).
Genome position (GRCh38, 1-based): chr6:2,948,569, C>T on the plus strand (G>A on the coding strand, the complement: SERPINB6 is on the minus strand). VCF-style: chr6-2948569-C-T. GRCh37 (hg19) VCF-style: chr6-2948803-C-T.
Other names: c.872G>A, p.Arg291His (NM_001195291.3, NM_001374515.1); c.902G>A, p.Arg301His (NM_001271822.2); c.917G>A, p.Arg306His (NM_001271823.2); c.860G>A, p.Arg287His (NM_001271824.2, NM_001271825.2, NM_001297699.2 and 2 more transcripts); c.728G>A, p.Arg243His (NM_001374517.1); short protein forms R243H, R287H, R291H, R301H, R306H.
Identifiers: ClinVar variation 2504394 (VCV002504394.3), dbSNP rs566604967, ClinGen allele CA3617398.